The following is an entry in ClinVar:

ClinVar aggregate classification (germline): Uncertain significance. Review status: criteria provided, multiple submitters, no conflicts (2 of 4 stars). 2 submissions from 2 submitters: Uncertain significance (2). Last evaluated 2023-07-28.

Allele frequency attached by ClinVar (database versions not stated): TOPMed 0.00001; gnomAD 0.00002; ExAC 0.00008.
gnomAD v4.1: 18 of 1,609,726 alleles (0.0011%); highest among the groups gnomAD compares: Non-Finnish European, 0.00059%; no homozygotes.

Submissions (2):

Revvity Omics, Revvity
Classification: Uncertain significance. Last evaluated: 2023-07-28. Review status: criteria provided, single submitter. Criteria: ACMG Guidelines, 2015. Collection method: clinical testing. Allele origin: germline.

Labcorp Genetics (formerly Invitae), Labcorp
Classification: Uncertain significance. Last evaluated: 2022-10-06. Review status: criteria provided, single submitter. Criteria: Invitae Variant Classification Sherloc (09022015). Collection method: clinical testing. Allele origin: germline.
Comment: This sequence change replaces valine, which is neutral and non-polar, with methionine, which is neutral and non-polar, at codon 2715 of the DCHS1 protein (p.Val2715Met). This variant is present in population databases (rs757739092, gnomAD 0.01%). This variant has not been reported in the literature in individuals affected with DCHS1-related conditions. Advanced modeling of protein sequence and biophysical properties (such as structural, functional, and spatial information, amino acid conservation, physicochemical variation, residue mobility, and thermodynamic stability) has been performed at Invitae for this missense variant, however the output from this modeling did not meet the statistical confidence thresholds required to predict the impact of this variant on DCHS1 protein function. In summary, the available evidence is currently insufficient to determine the role of this variant in disease. Therefore, it has been classified as a Variant of Uncertain Significance.

NM_003737.4(DCHS1):c.8143G>A (p.Val2715Met)

Gene: DCHS1 (dachsous cadherin-related 1; minus strand). Cytogenetic location: 11p15.4.
Variant type: single nucleotide variant.
Coding change: c.8143G>A on transcript NM_003737.4 (MANE Select); coding-DNA position 8143, G replaced by A.
Protein change: p.Val2715Met; replaces valine 2715 with methionine.
Molecular consequence: missense variant.
Genome position (GRCh38, 1-based): chr11:6,623,533, C>T on the plus strand (G>A on the coding strand, the complement: DCHS1 is on the minus strand). VCF-style: chr11-6623533-C-T. GRCh37 (hg19) VCF-style: chr11-6644764-C-T.
Other names: short protein forms V2715M.
Identifiers: ClinVar variation 2096909 (VCV002096909.7), dbSNP rs757739092, ClinGen allele CA5859481.